The following is an entry in ClinVar:

NM_001032386.2(SUOX):c.1382A>T (p.Asp461Val)

Gene: SUOX (sulfite oxidase; plus strand). Cytogenetic location: 12q13.2.
Variant type: single nucleotide variant.
Coding change: c.1382A>T on transcript NM_001032386.2 (MANE Select); coding-DNA position 1382, A replaced by T.
Protein change: p.Asp461Val; replaces aspartic acid 461 with valine.
Molecular consequence: missense variant.
Genome position (GRCh38, 1-based): chr12:56,004,771, A>T. VCF-style: chr12-56004771-A-T. GRCh37 (hg19) VCF-style: chr12-56398555-A-T.
Other names: c.1382A>T, p.Asp461Val (NM_000456.3, NM_001032387.2); short protein forms D461V.
Identifiers: ClinVar variation 1304091 (VCV001304091.7), dbSNP rs759255030, ClinGen allele CA6621161.
Genomic context (GRCh38, chr12:56,004,771, plus strand): 5'-GGGAGGTGACCATCAAGGGCTATGCATGGAGTGGTGGTGGCAGGGCTGTGATCCGGGTGG[A>T]TGTGTCTCTGGATGGGGGCCTAACCTGGCAGGTGGCTAAGCTGGATGGAGAGGAACAGCG-3'
Protein context (NP_001027558.1, residues 451-471): SGGGRAVIRV[Asp461Val]VSLDGGLTWQ

ClinVar aggregate classification (germline): Conflicting classifications of pathogenicity. Review status: criteria provided, conflicting classifications (1 of 4 stars). 3 submissions from 3 submitters: Likely pathogenic (2); Uncertain significance (1). Last evaluated 2025-09-04.

Conditions:
Sulfite oxidase deficiency. Also called: Isolated sulfite oxidase deficiency. Identifiers: Orphanet 833, Orphanet 99731, MedGen C0268624, MONDO:0010089, OMIM 272300, HP:0003643.
Sulfocysteinuria. Identifiers: MedGen C2931746, HP:0032350.

Allele frequency attached by ClinVar (database versions not stated): ExAC 0.00003.
gnomAD v4.1: 10 of 1,614,072 alleles (0.00062%); highest among the groups gnomAD compares: South Asian, 0.0099%; no homozygotes.

Submissions (3):

Women's Health and Genetics/Laboratory Corporation of America, LabCorp
Classification: Likely pathogenic for Sulfocysteinuria. Last evaluated: 2025-09-04. Review status: criteria provided, single submitter. Criteria: LabCorp Variant Classification Summary - May 2015. Collection method: clinical testing. Allele origin: germline.
Comment: Variant summary: SUOX c.1382A>T (p.Asp461Val) results in a non-conservative amino acid change in the encoded protein sequence. Algorithms developed to predict the effect of missense changes on protein structure and function all suggest that this variant is likely to be disruptive. The variant allele was found at a frequency of 1.6e-05 in 251394 control chromosomes (gnomAD). c.1382A>T has been observed in individuals affected with Sulfite Oxidase Deficiency (Sharawat_2020). These data indicate that the variant is likely to be associated with disease. To our knowledge, no experimental evidence demonstrating an impact on protein function has been reported. The following publication has been ascertained in the context of this evaluation (PMID: 31806255). ClinVar contains an entry for this variant (Variation ID: 1304091). Based on the evidence outlined above, the variant was classified as likely pathogenic.

Labcorp Genetics (formerly Invitae), Labcorp
Classification: Likely pathogenic for Sulfite oxidase deficiency. Last evaluated: 2023-10-24. Review status: criteria provided, single submitter. Criteria: Invitae Variant Classification Sherloc (09022015). Collection method: clinical testing. Allele origin: germline.
Comment: This sequence change replaces aspartic acid, which is acidic and polar, with valine, which is neutral and non-polar, at codon 461 of the SUOX protein (p.Asp461Val). This variant is present in population databases (rs759255030, gnomAD 0.01%). This missense change has been observed in individual(s) with sulfite oxidase deficiency (PMID: 31806255). ClinVar contains an entry for this variant (Variation ID: 1304091). Advanced modeling of protein sequence and biophysical properties (such as structural, functional, and spatial information, amino acid conservation, physicochemical variation, residue mobility, and thermodynamic stability) performed at Invitae indicates that this missense variant is expected to disrupt SUOX protein function with a positive predictive value of 80%. In summary, the currently available evidence indicates that the variant is pathogenic, but additional data are needed to prove that conclusively. Therefore, this variant has been classified as Likely Pathogenic.

GeneDx
Classification: Uncertain significance. Last evaluated: 2022-10-14. Review status: criteria provided, single submitter. Criteria: GeneDx Variant Classification Process June 2021. Collection method: clinical testing. Allele origin: germline. Affected: yes.
Comment: In silico analysis, which includes protein predictors and evolutionary conservation, supports a deleterious effect; This variant is associated with the following publications: (PMID: 31806255)

Literature cited by the submitters: PubMed 31806255 (cited by Women's Health and Genetics/Laboratory Corporation of America, LabCorp and Labcorp Genetics (formerly Invitae), Labcorp).